The following is an entry in ClinVar:

ClinVar aggregate classification (germline): Likely benign (0 of 4 stars; one submission).

Conditions:
HNF1B-related disorder. Also called: HNF1B-related disorders; HNF1B-related condition.

Allele frequency attached by ClinVar (database versions not stated): ExAC 0.00001; gnomAD exomes 0.00001.
gnomAD v4.1: 16 of 1,614,018 alleles (0.00099%); highest among the groups gnomAD compares: Non-Finnish European, 0.0014%; no homozygotes.

Submission:

PreventionGenetics, part of Exact Sciences
Classification: Likely benign for HNF1B-related condition. Last evaluated: 2022-11-06. Review status: no assertion criteria provided. Collection method: clinical testing. Allele origin: germline.
Comment: This variant is classified as likely benign based on ACMG/AMP sequence variant interpretation guidelines (Richards et al. 2015 PMID: 25741868, with internal and published modifications).

NM_000458.4(HNF1B):c.*56T>C

Gene: HNF1B (HNF1 homeobox B; minus strand). Cytogenetic location: 17q12.
Variant type: single nucleotide variant.
Coding change: c.*56T>C on transcript NM_000458.4 (MANE Select); 56 bases downstream of the stop codon, T replaced by C.
Molecular consequence: 3 prime UTR variant. On other transcripts: synonymous variant (2).
Genome position (GRCh38, 1-based): chr17:37,687,316, A>G on the plus strand (T>C on the coding strand, the complement: HNF1B is on the minus strand). VCF-style: chr17-37687316-A-G. GRCh37 (hg19) VCF-style: chr17-36047319-A-G.
Other names: c.*56T>C (NM_001165923.4); c.1338T>C, p.His446= (NM_001304286.2); c.1611T>C, p.His537= (NM_001411100.1).
Identifiers: ClinVar variation 3045344 (VCV003045344.2), dbSNP rs750300176, ClinGen allele CA8518747.
Genomic context (GRCh38, chr17:37,687,316, plus strand): 5'-GACCTCTCGCAGGTGCTGGTCAGGTCACTGGGCTTTTCCATGACAGCTGCCCAGAGGGTG[A>G]TGGTGTGGAAAACAGGGTCCTTGTTGTTGCGCACGAAGTAAGTGGTGTGTGGGCATCACC-3'